The following is an entry in ClinVar:

ClinVar aggregate classification (germline): Conflicting classifications of pathogenicity. Review status: criteria provided, conflicting classifications (1 of 4 stars). 2 submissions from 2 submitters: Likely pathogenic (1); Uncertain significance (1). Last evaluated 2025-11-20.

Conditions:
Lynch syndrome 5 (LYNCH5). Also called: Colorectal cancer, hereditary nonpolyposis, type 5; Hereditary non-polyposis colorectal cancer, type 5. Identifiers: Orphanet 144, MedGen C1833477, MONDO:0013710, OMIM 614350. Disease mechanism: loss of function.
Hereditary nonpolyposis colorectal neoplasms. Identifiers: MedGen C0009405, MeSH D003123.

Submissions (2):

University of Washington Department of Laboratory Medicine, University of Washington
Classification: Likely pathogenic for Lynch syndrome 5. Last evaluated: 2025-11-20. Review status: criteria provided, single submitter. Criteria: Shirts BH et al. (Am J Hum Genet 2018). Collection method: clinical testing. Allele origin: de novo. Affected: yes.
Comment: We classify the MSH6 c.1781T>A (p.Val594Asp) variant as likely pathogenic based on internal evidence. Tumor testing demonstrated loss of MSH6 by immunohistochemistry (IHC), consistent with abnormal mismatch repair (MMR) function. In addition to this variant, the tumor harbored a second somatic MSH6 variant, consistent with biallelic inactivation of MSH6 and supporting PS3_supporting. The use of tumor molecular features and somatic evidence to inform germline variant classification has been described in the literature (Shirts et al., 2018. Genet Med. PMID: 29887214). As this variant arose as a de novo event in the tumor, this observation also supports application of PS2. Multiple in silico prediction tools (SIFT, PolyPhen-2, Align-GVGD) predict a deleterious effect on protein function. The valine at codon 594 is highly conserved, and substitution with aspartic acid represents a substantial physicochemical difference, supporting PP3. This variant is absent from large population databases, including gnomAD v4.0.0, meeting PM2_supporting. The clinical presentation of colon cancer with abnormal IHC for MSH6 is consistent with the tumor phenotype commonly associated with pathogenic MSH6 variants, supporting PP4. Taken together, the evidence of tumor-based biallelic inactivation, absence from population databases, conservation and deleterious in silico predictions, and clinical correlation justify a classification of likely pathogenic for the MSH6 c.1781T>A (p.Val594Asp) variant.

Labcorp Genetics (formerly Invitae), Labcorp
Classification: Uncertain significance for Hereditary nonpolyposis colorectal neoplasms. Last evaluated: 2023-01-24. Review status: criteria provided, single submitter. Criteria: Invitae Variant Classification Sherloc (09022015). Collection method: clinical testing. Allele origin: germline.
Comment: Algorithms developed to predict the effect of missense changes on protein structure and function (SIFT, PolyPhen-2, Align-GVGD) all suggest that this variant is likely to be disruptive. In summary, the available evidence is currently insufficient to determine the role of this variant in disease. Therefore, it has been classified as a Variant of Uncertain Significance. This variant has not been reported in the literature in individuals affected with MSH6-related conditions. This variant is not present in population databases (gnomAD no frequency). This sequence change replaces valine, which is neutral and non-polar, with aspartic acid, which is acidic and polar, at codon 594 of the MSH6 protein (p.Val594Asp).

NM_000179.3(MSH6):c.1781T>A (p.Val594Asp)

Gene: MSH6 (mutS homolog 6; plus strand). Cytogenetic location: 2p16.3.
Variant type: single nucleotide variant.
Coding change: c.1781T>A on transcript NM_000179.3 (MANE Select); coding-DNA position 1781, T replaced by A.
Protein change: p.Val594Asp; replaces valine 594 with aspartic acid.
Molecular consequence: missense variant. On other transcripts: non-coding transcript variant (4), intron variant (2).
Genome position (GRCh38, 1-based): chr2:47,799,764, T>A. VCF-style: chr2-47799764-T-A. GRCh37 (hg19) VCF-style: chr2-48026903-T-A.
Other names: c.1391T>A, p.Val464Asp (NM_001281492.2); c.875T>A, p.Val292Asp (NM_001281493.2, NM_001281494.2, NM_001406811.1 and 6 more transcripts); c.1877T>A, p.Val626Asp (NM_001406795.1, NM_001406802.1); c.1781T>A, p.Val594Asp (NM_001406796.1, NM_001406798.1, NM_001406800.1 and 3 more transcripts); c.1484T>A, p.Val495Asp (NM_001406797.1, NM_001406801.1, NM_001406805.1 and 10 more transcripts); c.1256T>A, p.Val419Asp (NM_001406799.1, NM_001406806.1, NM_001406807.1); c.1703T>A, p.Val568Asp (NM_001406804.1); c.1787T>A, p.Val596Asp (NM_001406813.1); and 3 more; short protein forms V538D, V568D, V596D, V292D, V495D, V419D, V464D, V594D.
Identifiers: ClinVar variation 2831521 (VCV002831521.4), dbSNP rs1669372526, ClinGen allele CA346749244.